The following is an entry in ClinVar:

GRCh38/hg38 17q21.31(chr17:45629520-46061206)x1

Genes: CRHR1 (corticotropin releasing hormone receptor 1), KANSL1 (KAT8 regulatory NSL complex subunit 1), LINC02210 (long intergenic non-protein coding RNA 2210), LINC02210-CRHR1 (LINC02210-CRHR1 readthrough), MAPT (microtubule associated protein tau) and 6 more. Cytogenetic location: 17q21.31.
Variant type: copy number loss.
Change: copy number 1 (one copy instead of two) of chr17:45,629,520-46,061,206 (431.7 kb, GRCh38 coordinates, 1-based), cytogenetic band 17q21.31.
Identifiers: ClinVar variation 57279 (VCV000057279.1).

ClinVar aggregate classification (germline): Pathogenic (1 of 4 stars; one submission).

Submission:

ISCA site 4
Classification: Pathogenic. Last evaluated: 2011-08-12. Review status: criteria provided, single submitter. Criteria: Kaminsky et al. (Genet Med. 2011). Collection method: clinical testing. Allele origin: unknown. Affected: yes. Observed: 1 variant allele.
Comment: Copy number variation identified through the course of routine clinical cytogenomic testing in postnatal populations. Clinical assertions have been curated as described in Kaminsky et al. 2011.